The following is an entry in ClinVar:

NM_145199.3(LIPT1):c.643C>A (p.Leu215Ile)

Genes: LIPT1 (lipoyltransferase 1; plus strand), MITD1 (microtubule interacting and trafficking domain containing 1; minus strand). Cytogenetic location: 2q11.2.
Variant type: single nucleotide variant.
Coding change: c.643C>A on transcript NM_145199.3 (MANE Select); coding-DNA position 643, C replaced by A.
Protein change: p.Leu215Ile; replaces leucine 215 with isoleucine.
Molecular consequence: missense variant. On other transcripts: non-coding transcript variant (2).
Genome position (GRCh38, 1-based): chr2:99,162,600, C>A. VCF-style: chr2-99162600-C-A. GRCh37 (hg19) VCF-style: chr2-99779063-C-A.
Other names: c.643C>A, p.Leu215Ile (NM_001204830.2, NM_015929.4, NM_145197.3 and 1 more transcripts); c.643C>A (NM_001204830.1); short protein forms L215I.
Identifiers: ClinVar variation 1525785 (VCV001525785.9), dbSNP rs766082343, ClinGen allele CA1797356.

ClinVar aggregate classification (germline): Uncertain significance. Review status: criteria provided, multiple submitters, no conflicts (2 of 4 stars). 2 submissions from 2 submitters: Uncertain significance (2). Last evaluated 2023-11-09.

Conditions:
Inborn genetic diseases. Identifiers: MedGen C0950123, MeSH D030342.

Allele frequency attached by ClinVar (database versions not stated): ExAC 0.00001; gnomAD exomes 0.00001; TOPMed 0.00001.
gnomAD v4.1: 13 of 1,614,118 alleles (0.00081%); highest among the groups gnomAD compares: Middle Eastern, 0.016%; no homozygotes.

Submissions (2):

Ambry Genetics
Classification: Uncertain significance for Inborn genetic diseases. Last evaluated: 2023-11-09. Review status: criteria provided, single submitter. Criteria: Ambry Variant Classification Scheme 2023. Collection method: clinical testing. Allele origin: germline.

Labcorp Genetics (formerly Invitae), Labcorp
Classification: Uncertain significance. Last evaluated: 2022-07-11. Review status: criteria provided, single submitter. Criteria: Invitae Variant Classification Sherloc (09022015). Collection method: clinical testing. Allele origin: germline.
Comment: In summary, the available evidence is currently insufficient to determine the role of this variant in disease. Therefore, it has been classified as a Variant of Uncertain Significance. Algorithms developed to predict the effect of missense changes on protein structure and function are either unavailable or do not agree on the potential impact of this missense change (SIFT: "Tolerated"; PolyPhen-2: "Probably Damaging"; Align-GVGD: "Class C0"). ClinVar contains an entry for this variant (Variation ID: 1525785). This variant has not been reported in the literature in individuals affected with LIPT1-related conditions. This variant is present in population databases (rs766082343, gnomAD 0.006%). This sequence change replaces leucine, which is neutral and non-polar, with isoleucine, which is neutral and non-polar, at codon 215 of the LIPT1 protein (p.Leu215Ile).